The following is an entry in ClinVar:

ClinVar aggregate classification (germline): Likely pathogenic (1 of 4 stars; one submission).

Submission:

GeneDx
Classification: Likely pathogenic. Last evaluated: 2020-03-27. Review status: criteria provided, single submitter. Criteria: GeneDx Variant Classification Process June 2021. Collection method: clinical testing. Allele origin: germline. Affected: yes.
Comment: Canonical splice site variant predicted to result in a null allele in a gene for which loss-of-function is a known mechanism of disease; Not observed in large population cohorts (Lek et al., 2016); Has not been previously published as pathogenic or benign to our knowledge

NM_000404.4(GLB1):c.902_914+17delinsAGGCAAGTATATACTTGCC

Gene: GLB1 (galactosidase beta 1; minus strand). Cytogenetic location: 3p22.3.
Variant type: Indel.
Coding change: c.902_914+17delinsAGGCAAGTATATACTTGCC on transcript NM_000404.4 (MANE Select); coding-DNA position 902 through 17 bases into the intron after coding-DNA position 914, CGAGTGTGAACTTGTGAGTGTTCATTGCCT replaced by AGGCAAGTATATACTTGCC.
Molecular consequence: splice donor variant.
Genome position (GRCh38, 1-based): chr3:33,051,866-33,051,895, AGGCAATGAACACTCACAAGTTCACACTCG replaced by GGCAAGTATATACTTGCCT on the plus strand (CGAGTGTGAACTTGTGAGTGTTCATTGCCT replaced by AGGCAAGTATATACTTGCC on the coding strand, the reverse complement: GLB1 is on the minus strand). GRCh37 (hg19): chr3:33,093,358-33,093,387.
Other names: c.902_914+17delinsAGGCAAGTATATACTTGCC (NM_001393580.1); c.509_521+17delinsAGGCAAGTATATACTTGCC (NM_001135602.3); c.1046_1058+17delinsAGGCAAGTATATACTTGCC (NM_001317040.2); c.812_824+17delinsAGGCAAGTATATACTTGCC (NM_001079811.3).
Identifiers: ClinVar variation 420844 (VCV000420844.2), dbSNP rs1064794737, ClinGen allele CA16617870.